The following is an entry in ClinVar:

ClinVar aggregate classification (germline): Uncertain significance. Review status: criteria provided, multiple submitters, no conflicts (2 of 4 stars). 2 submissions from 2 submitters: Uncertain significance (2). Last evaluated 2024-05-20.

Conditions:
Inborn genetic diseases. Identifiers: MedGen C0950123, MeSH D030342.

gnomAD v4.1: 2 of 1,612,998 alleles (0.00012%); highest among the groups gnomAD compares: South Asian, 0.0011%; no homozygotes.

Submissions (2):

Ambry Genetics
Classification: Uncertain significance for Inborn genetic diseases. Last evaluated: 2024-05-20. Review status: criteria provided, single submitter. Criteria: Ambry Variant Classification Scheme 2023. Collection method: clinical testing. Allele origin: germline.

Labcorp Genetics (formerly Invitae), Labcorp
Classification: Uncertain significance. Last evaluated: 2023-12-11. Review status: criteria provided, single submitter. Criteria: Invitae Variant Classification Sherloc (09022015). Collection method: clinical testing. Allele origin: germline.
Comment: This sequence change replaces glycine, which is neutral and non-polar, with aspartic acid, which is acidic and polar, at codon 978 of the DSG1 protein (p.Gly978Asp). This variant is not present in population databases (gnomAD no frequency). This variant has not been reported in the literature in individuals affected with DSG1-related conditions. ClinVar contains an entry for this variant (Variation ID: 1478469). An algorithm developed to predict the effect of missense changes on protein structure and function (PolyPhen-2) suggests that this variant is likely to be tolerated. In summary, the available evidence is currently insufficient to determine the role of this variant in disease. Therefore, it has been classified as a Variant of Uncertain Significance.

NM_001942.4(DSG1):c.2933G>A (p.Gly978Asp)

Genes: DSG1 (desmoglein 1; plus strand), DSG1-AS1 (DSG1 antisense RNA 1; minus strand). Cytogenetic location: 18q12.1.
Variant type: single nucleotide variant.
Coding change: c.2933G>A on transcript NM_001942.4 (MANE Select); coding-DNA position 2933, G replaced by A.
Protein change: p.Gly978Asp; replaces glycine 978 with aspartic acid.
Molecular consequence: missense variant.
Genome position (GRCh38, 1-based): chr18:31,355,129, G>A. VCF-style: chr18-31355129-G-A. GRCh37 (hg19) VCF-style: chr18-28935092-G-A.
Other names: c.2933G>A (NM_001942.2); short protein forms G978D.
Identifiers: ClinVar variation 1478469 (VCV001478469.7), dbSNP rs151170788, ClinGen allele CA402125169.